The following is an entry in ClinVar:

ClinVar aggregate classification (germline): Benign/Likely benign. Review status: criteria provided, multiple submitters, no conflicts (2 of 4 stars). 7 submissions from 7 submitters: Benign (2); Likely benign (5). Last evaluated 2026-01-04.

Conditions:
Breast and/or ovarian cancer. Identifiers: MedGen CN221562.
Hereditary cancer-predisposing syndrome. Also called: Hereditary Cancer Syndrome; Neoplastic Syndromes, Hereditary; Tumor predisposition; Hereditary neoplastic syndrome. Identifiers: Orphanet 140162, MedGen C0027672, MeSH D009386, MONDO:0015356.
Peutz-Jeghers syndrome (PJS). Also called: POLYPOSIS, HAMARTOMATOUS INTESTINAL; POLYPS-AND-SPOTS SYNDROME; Peutz-Jeghers polyposis; Periorificial lentiginosis syndrome. Identifiers: Orphanet 2869, MedGen C0031269, MeSH D010580, MONDO:0008280, OMIM 175200.

Allele frequency attached by ClinVar (database versions not stated): 1000 Genomes Project 30x 0.00016; 1000 Genomes Project 0.00020.

Submissions (7):

Labcorp Genetics (formerly Invitae), Labcorp
Classification: Likely benign for Peutz-Jeghers syndrome. Last evaluated: 2026-01-04. Review status: criteria provided, single submitter. Criteria: Invitae Variant Classification Sherloc (09022015). Collection method: clinical testing. Allele origin: germline.

Myriad Genetics, Inc.
Classification: Benign for Peutz-Jeghers syndrome. Last evaluated: 2025-03-26. Review status: criteria provided, single submitter. Criteria: Myriad Autosomal Dominant, Autosomal Recessive and X-Linked Classification Criteria (2023). Collection method: clinical testing. Allele origin: unknown.
Comment: This variant is considered benign. This variant is a silent/synonymous amino acid change and it is not expected to impact splicing.

KCCC/NGS Laboratory, Kuwait Cancer Control Center
Classification: Benign for Peutz-Jeghers syndrome. Last evaluated: 2025-02-01. Review status: criteria provided, single submitter. Criteria: ACMG Guidelines, 2015. Collection method: clinical testing. Allele origin: germline. Affected: no.

All of Us Research Program, National Institutes of Health
Classification: Likely benign for Peutz-Jeghers syndrome. Last evaluated: 2023-11-28. Review status: criteria provided, single submitter. Criteria: ACMG Guidelines, 2015. Collection method: clinical testing. Allele origin: germline. Inheritance: Autosomal dominant inheritance. Observed: 3 variant alleles, 3 heterozygotes.
Comment: This study involves interpretation of variants in research participants for the purpose of population health screening. Participant phenotype was not available at the time of variant classification. Additional details can be found in publication PMID: 35346344, PMCID: PMC8962531

Color Diagnostics, LLC DBA Color Health
Classification: Likely benign for Hereditary cancer-predisposing syndrome. Last evaluated: 2019-11-11. Review status: criteria provided, single submitter. Criteria: ACMG Guidelines, 2015. Collection method: clinical testing. Allele origin: germline.

CHEO Genetics Diagnostic Laboratory, Children's Hospital of Eastern Ontario
Classification: Likely benign for Breast and/or ovarian cancer. Last evaluated: 2019-10-31. Review status: criteria provided, single submitter. Criteria: ACMG Guidelines, 2015. Collection method: clinical testing. Allele origin: germline.

Ambry Genetics
Classification: Likely benign for Hereditary cancer-predisposing syndrome. Last evaluated: 2015-01-21. Review status: criteria provided, single submitter. Criteria: Ambry Variant Classification Scheme 2023. Collection method: clinical testing. Allele origin: germline.

NM_000455.5(STK11):c.537G>T (p.Pro179=)

Gene: STK11 (serine/threonine kinase 11; plus strand). Cytogenetic location: 19p13.3.
Variant type: single nucleotide variant.
Coding change: c.537G>T on transcript NM_000455.5 (MANE Select); coding-DNA position 537, G replaced by T.
Protein change: p.Pro179=; no amino-acid change (proline 179 retained).
Molecular consequence: synonymous variant.
Genome position (GRCh38, 1-based): chr19:1,220,445, G>T. VCF-style: chr19-1220445-G-T. GRCh37 (hg19) VCF-style: chr19-1220444-G-T.
Identifiers: ClinVar variation 230108 (VCV000230108.22), dbSNP rs528535500, ClinGen allele CA089421.